The following is an entry in ClinVar:

NM_004656.4(BAP1):c.67+8C>T

Gene: BAP1 (BRCA1 associated deubiquitinase 1; minus strand). Cytogenetic location: 3p21.1.
Variant type: single nucleotide variant.
Coding change: c.67+8C>T on transcript NM_004656.4 (MANE Select); 8 bases into the intron after coding-DNA position 67, C replaced by T.
Molecular consequence: intron variant.
Genome position (GRCh38, 1-based): chr3:52,409,706, G>A on the plus strand (C>T on the coding strand, the complement: BAP1 is on the minus strand). VCF-style: chr3-52409706-G-A. GRCh37 (hg19) VCF-style: chr3-52443722-G-A.
Identifiers: ClinVar variation 1114456 (VCV001114456.8), dbSNP rs1195934372, ClinGen allele CA542900452.
Genomic context (GRCh38, chr3:52,409,706, plus strand): 5'-CCCTGATGAGTGAGGGCGCAGGGGTGGGCCGCCACAGCCCCGGTCCGGCAGGGAGAAAAG[G>A]CTCTTACCGAAATCTTCCACGAGCAGGGTGAAGAGGCCTGGGTGGGGCGACAAGAGGAGG-3'

ClinVar aggregate classification (germline): Likely benign. Review status: criteria provided, multiple submitters, no conflicts (2 of 4 stars). 2 submissions from 2 submitters: Likely benign (2). Last evaluated 2025-09-03.

Conditions:
BAP1-related tumor predisposition syndrome (TPDS1). Also called: BAP1 tumor predisposition syndrome; Tumor susceptibility linked to germline BAP1 mutations; COMMON Syndrome; TUMOR PREDISPOSITION SYNDROME 1. Identifiers: Orphanet 289539, MedGen C3280492, MONDO:0013692, OMIM 614327.

Allele frequency attached by ClinVar (database versions not stated): gnomAD 0.00001; TOPMed 0.00002.
gnomAD v4.1: 1 of 1,614,032 alleles (0.000062%); highest among the groups gnomAD compares: Non-Finnish European, 0.000085%; no homozygotes.

Submissions (2):

Labcorp Genetics (formerly Invitae), Labcorp
Classification: Likely benign for BAP1-related tumor predisposition syndrome. Last evaluated: 2025-09-03. Review status: criteria provided, single submitter. Criteria: Invitae Variant Classification Sherloc (09022015). Collection method: clinical testing. Allele origin: germline.

Myriad Genetics, Inc.
Classification: Likely benign for BAP1-related tumor predisposition syndrome. Last evaluated: 2024-07-11. Review status: criteria provided, single submitter. Criteria: Myriad Autosomal Dominant, Autosomal Recessive and X-Linked Classification Criteria (2023). Collection method: clinical testing. Allele origin: unknown.
Comment: This variant is considered likely benign. This variant is intronic and is not expected to impact mRNA splicing.